The following is an entry in ClinVar:

NM_002878.4(RAD51D):c.630G>A (p.Ala210=)

Genes: RAD51D (RAD51 paralog D; minus strand), RAD51L3-RFFL (RAD51L3-RFFL readthrough; minus strand). Cytogenetic location: 17q12.
Variant type: single nucleotide variant.
Coding change: c.630G>A on transcript NM_002878.4 (MANE Select); coding-DNA position 630, G replaced by A.
Protein change: p.Ala210=; no amino-acid change (alanine 210 retained).
Molecular consequence: synonymous variant. On other transcripts: non-coding transcript variant (3).
Genome position (GRCh38, 1-based): chr17:35,103,491, C>T on the plus strand (G>A on the coding strand, the complement: RAD51D is on the minus strand). VCF-style: chr17-35103491-C-T. GRCh37 (hg19) VCF-style: chr17-33430510-C-T.
Other names: c.690G>A, p.Ala230= (NM_001142571.2); c.294G>A, p.Ala98= (NM_133629.3).
Identifiers: ClinVar variation 385031 (VCV000385031.19), dbSNP rs762585552, ClinGen allele CA8499399.

ClinVar aggregate classification (germline): Benign/Likely benign. Review status: criteria provided, multiple submitters, no conflicts (2 of 4 stars). 7 submissions from 7 submitters: Benign (1); Likely benign (6). Last evaluated 2026-01-02.

Conditions:
Hereditary cancer-predisposing syndrome. Also called: Hereditary Cancer Syndrome; Hereditary neoplastic syndrome; Neoplastic Syndromes, Hereditary; Tumor predisposition. Identifiers: Orphanet 140162, MedGen C0027672, MeSH D009386, MONDO:0015356.
Breast-ovarian cancer, familial, susceptibility to, 4. Identifiers: Orphanet 145, MedGen C3280345, MONDO:0013669, OMIM 614291.

Allele frequency attached by ClinVar (database versions not stated): gnomAD 0.00001; TOPMed 0.00002.

Submissions (7):

Labcorp Genetics (formerly Invitae), Labcorp
Classification: Likely benign for Breast-ovarian cancer, familial, susceptibility to, 4. Last evaluated: 2026-01-02. Review status: criteria provided, single submitter. Criteria: Invitae Variant Classification Sherloc (09022015). Collection method: clinical testing. Allele origin: germline.

Quest Diagnostics Nichols Institute San Juan Capistrano
Classification: Likely benign. Last evaluated: 2025-05-28. Review status: criteria provided, single submitter. Criteria: Quest Diagnostics criteria. Collection method: clinical testing. Allele origin: unknown.

Center for Genomic Medicine, Rigshospitalet, Copenhagen University Hospital
Classification: Likely benign. Last evaluated: 2025-03-04. Review status: criteria provided, single submitter. Criteria: ACMG Guidelines, 2015. Collection method: clinical testing. Allele origin: germline.

Myriad Genetics, Inc.
Classification: Benign for Breast-ovarian cancer, familial, susceptibility to, 4. Last evaluated: 2025-02-24. Review status: criteria provided, single submitter. Criteria: Myriad Autosomal Dominant, Autosomal Recessive and X-Linked Classification Criteria (2023). Collection method: clinical testing. Allele origin: unknown.
Comment: This variant is considered benign. This variant is a silent/synonymous amino acid change and it is not expected to impact splicing.

Ambry Genetics
Classification: Likely benign for Hereditary cancer-predisposing syndrome. Last evaluated: 2016-12-21. Review status: criteria provided, single submitter. Criteria: Ambry Variant Classification Scheme 2023. Collection method: clinical testing. Allele origin: germline.

Color Diagnostics, LLC DBA Color Health
Classification: Likely benign for Hereditary cancer-predisposing syndrome. Last evaluated: 2016-11-10. Review status: criteria provided, single submitter. Criteria: ACMG Guidelines, 2015. Collection method: clinical testing. Allele origin: germline.

GeneDx
Classification: Likely benign. Last evaluated: 2016-03-22. Review status: criteria provided, single submitter. Criteria: GeneDx Variant Classification (06012015). Collection method: clinical testing. Allele origin: germline. Affected: yes.
Comment: This variant is considered likely benign or benign based on one or more of the following criteria: it is a conservative change, it occurs at a poorly conserved position in the protein, it is predicted to be benign by multiple in silico algorithms, and/or has population frequency not consistent with disease.